The following is an entry in ClinVar:

ClinVar aggregate classification (germline): Uncertain significance (1 of 4 stars; one submission).

Conditions:
Hereditary cancer-predisposing syndrome. Also called: Neoplastic Syndromes, Hereditary; Tumor predisposition; Hereditary Cancer Syndrome; Hereditary neoplastic syndrome. Identifiers: Orphanet 140162, MedGen C0027672, MeSH D009386, MONDO:0015356.

Submission:

Ambry Genetics
Classification: Uncertain significance for Hereditary cancer-predisposing syndrome. Last evaluated: 2025-11-15. Review status: criteria provided, single submitter. Criteria: Ambry Variant Classification Scheme 2023. Collection method: clinical testing. Allele origin: germline.
Comment: The p.Q394L variant (also known as c.1181A>T), located in coding exon 9 of the APC gene, results from an A to T substitution at nucleotide position 1181. The glutamine at codon 394 is replaced by leucine, an amino acid with dissimilar properties. This amino acid position is conserved. In addition, in silico predictors for this gene do not accurately predict pathogenicity. Based on the available evidence, the clinical significance of this variant remains unclear.

NM_000038.6(APC):c.1181A>T (p.Gln394Leu)

Gene: APC (APC regulator of Wnt signaling pathway; plus strand). Cytogenetic location: 5q22.2.
Variant type: single nucleotide variant.
Coding change: c.1181A>T on transcript NM_000038.6 (MANE Select); coding-DNA position 1181, A replaced by T.
Protein change: p.Gln394Leu; replaces glutamine 394 with leucine.
Molecular consequence: missense variant. On other transcripts: non-coding transcript variant (2), intron variant (15).
Genome position (GRCh38, 1-based): chr5:112,819,213, A>T. VCF-style: chr5-112819213-A-T. GRCh37 (hg19) VCF-style: chr5-112154910-A-T.
Other names: c.1181A>T, p.Gln394Leu (NM_001127510.3, NM_001354895.2, NM_001354896.2 and 4 more transcripts); c.1127A>T, p.Gln376Leu (NM_001127511.3); c.1211A>T, p.Gln404Leu (NM_001354897.2, NM_001407446.1); c.1106A>T, p.Gln369Leu (NM_001354898.2, NM_001407451.1); c.1097A>T, p.Gln366Leu (NM_001354899.2, NM_001407452.1); c.1004A>T, p.Gln335Leu (NM_001354900.2, NM_001354901.2, NM_001407453.1); c.332A>T, p.Gln111Leu (NM_001354906.2, NM_001407470.1); c.85-56A>T (NM_001407472.1, NM_001407471.1); and 5 more; short protein forms Q111L, Q366L, Q376L, Q394L, Q335L, Q369L, Q404L.
Identifiers: ClinVar variation 4590316 (VCV004590316.1).